The following is an entry in ClinVar:

ClinVar aggregate classification (germline): Uncertain significance. Review status: criteria provided, multiple submitters, no conflicts (2 of 4 stars). 2 submissions from 2 submitters: Uncertain significance (2). Last evaluated 2024-11-18.

Conditions:
Inborn genetic diseases. Identifiers: MedGen C0950123, MeSH D030342.
Pyridoxal phosphate-responsive seizures (PNPOD). Also called: Pyridoxal 5'-Phosphate (PLP)-Dependent Epilepsy; EPILEPTIC ENCEPHALOPATHY, NEONATAL, PNPO-RELATED; Pyridoxamine 5-Prime-Phosphate Oxidase Deficiency; Pyridoxine-5'-phosphate oxidase deficiency; SEIZURES, PYRIDOXINE-RESISTANT, PLP-SENSITIVE. Identifiers: Orphanet 79096, MedGen C1864723, MONDO:0012407, OMIM 610090. Disease mechanism: loss of function.

Allele frequency attached by ClinVar (database versions not stated): ExAC below 0.00001; TOPMed below 0.00001; gnomAD exomes 0.00001.
gnomAD v4.1: 2 of 1,565,596 alleles (0.00013%); highest among the groups gnomAD compares: Admixed American, 0.0038%; no homozygotes.

Submissions (2):

Ambry Genetics
Classification: Uncertain significance for Inborn genetic diseases. Last evaluated: 2024-11-18. Review status: criteria provided, single submitter. Criteria: Ambry Variant Classification Scheme 2023. Collection method: clinical testing. Allele origin: germline.

Labcorp Genetics (formerly Invitae), Labcorp
Classification: Uncertain significance for Pyridoxal phosphate-responsive seizures. Last evaluated: 2020-02-21. Review status: criteria provided, single submitter. Criteria: Invitae Variant Classification Sherloc (09022015). Collection method: clinical testing. Allele origin: germline.
Comment: This sequence change replaces alanine with proline at codon 31 of the PNPO protein (p.Ala31Pro). The alanine residue is weakly conserved and there is a small physicochemical difference between alanine and proline. The frequency data for this variant in the population databases is considered unreliable, as metrics indicate poor data quality at this position in the ExAC database. This variant has not been reported in the literature in individuals with PNPO-related disease. ClinVar contains an entry for this variant (Variation ID: 409831). Algorithms developed to predict the effect of missense changes on protein structure and function (SIFT, PolyPhen-2, Align-GVGD) all suggest that this variant is likely to be tolerated, but these predictions have not been confirmed by published functional studies and their clinical significance is uncertain. In summary, the available evidence is currently insufficient to determine the role of this variant in disease. Therefore, it has been classified as a Variant of Uncertain Significance.

NM_018129.4(PNPO):c.91G>C (p.Ala31Pro)

Gene: PNPO (pyridoxamine 5'-phosphate oxidase; plus strand). Cytogenetic location: 17q21.32.
Variant type: single nucleotide variant.
Coding change: c.91G>C on transcript NM_018129.4 (MANE Select); coding-DNA position 91, G replaced by C.
Protein change: p.Ala31Pro; replaces alanine 31 with proline.
Molecular consequence: missense variant.
Genome position (GRCh38, 1-based): chr17:47,941,766, G>C. VCF-style: chr17-47941766-G-C. GRCh37 (hg19) VCF-style: chr17-46019132-G-C.
Other names: short protein forms A31P.
Identifiers: ClinVar variation 409831 (VCV000409831.9), dbSNP rs765314515, ClinGen allele CA8629099.